The following is an entry in ClinVar:

NM_001164508.2(NEB):c.734del (p.Gly245fs)

Gene: NEB (nebulin; minus strand). Cytogenetic location: 2q23.3.
Variant type: Deletion.
Coding change: c.734del on transcript NM_001164508.2 (MANE Select); coding-DNA position 734, one base deleted (G; older notation c.734delG).
Protein change: p.Gly245fs; shifts the reading frame from glycine 245.
Molecular consequence: frameshift variant.
Genome position (GRCh38, 1-based): chr2:151,717,504, C deleted on the plus strand (G on the coding strand, the reverse complement: NEB is on the minus strand); the first of 2 consecutive C bases (chr2:151,717,504-151,717,505); deleting either gives the same sequence. VCF-style (leftmost placement, unchanged base first): chr2-151717503-AC-A. GRCh37 (hg19) VCF-style: chr2-152574017-AC-A.
Other names: c.734del, p.Gly245fs (NM_001164507.2, NM_001271208.2, NM_004543.5); short protein forms G245fs.
Identifiers: ClinVar variation 632924 (VCV000632924.4), dbSNP rs1559573882, ClinGen allele CA913189854.

ClinVar aggregate classification (germline): Pathogenic/Likely pathogenic. Review status: criteria provided, multiple submitters, no conflicts (2 of 4 stars). 2 submissions from 2 submitters: Pathogenic (1); Likely pathogenic (1). Last evaluated 2024-03-05.

Conditions:
Nemaline myopathy 2 (NEM2). Also called: Nemaline myopathy 2, autosomal recessive. Identifiers: MedGen C1850569, MONDO:0009725, OMIM 256030.
Nemaline myopathy. Also called: Myopathies, Nemaline. Identifiers: Orphanet 607, MedGen C0206157, MONDO:0018958.

Submissions (2):

Labcorp Genetics (formerly Invitae), Labcorp
Classification: Pathogenic for Nemaline myopathy 2. Last evaluated: 2024-03-05. Review status: criteria provided, single submitter. Criteria: Invitae Variant Classification Sherloc (09022015). Collection method: clinical testing. Allele origin: germline.
Comment: This sequence change creates a premature translational stop signal (p.Gly245Valfs*18) in the NEB gene. It is expected to result in an absent or disrupted protein product. Loss-of-function variants in NEB are known to be pathogenic (PMID: 25205138). This variant is not present in population databases (gnomAD no frequency). This variant has not been reported in the literature in individuals affected with NEB-related conditions. ClinVar contains an entry for this variant (Variation ID: 632924). For these reasons, this variant has been classified as Pathogenic.

Women's Health and Genetics/Laboratory Corporation of America, LabCorp
Classification: Likely pathogenic for Nemaline myopathy. Last evaluated: 2020-08-25. Review status: criteria provided, single submitter. Criteria: LabCorp Variant Classification Summary - May 2015. Collection method: clinical testing. Allele origin: germline.
Comment: Variant summary: NEB c.734delG (p.Gly245ValfsX18) results in a premature termination codon, predicted to cause a truncation of the encoded protein or absence of the protein due to nonsense mediated decay, which are commonly known mechanisms for disease. Truncations downstream of this position have been classified as pathogenic by our laboratory. The variant was absent in 248992 control chromosomes (gnomAD). To our knowledge, no occurrence of c.734delG in individuals affected with Nemaline Myopathy 2 and no experimental evidence demonstrating its impact on protein function have been reported. No clinical diagnostic laboratories have submitted clinical-significance assessments for this variant to ClinVar after 2014. Based on the evidence outlined above, the variant was classified as likely pathogenic.

Literature cited by the submitters: PubMed 25205138 (cited by Labcorp Genetics (formerly Invitae), Labcorp).